The following is an entry in ClinVar:

ClinVar aggregate classification (germline): Pathogenic (1 of 4 stars; one submission).

Conditions:
Glutaric aciduria, type 1. Also called: Glutaryl-CoA dehydrogenase deficiency; Glutaric Acidemia Type 1; GA I; Glutaric acidemia type I; Glutaricacidemia Type 1; Glutaricaciduria, type I. Identifiers: Orphanet 25, MedGen C0268595, MONDO:0009281, OMIM 231670.

Allele frequency attached by ClinVar (database versions not stated): gnomAD exomes below 0.00001; ExAC 0.00001.
gnomAD v4.1: 8 of 1,614,092 alleles (0.0005%); highest among the groups gnomAD compares: South Asian, 0.0066%; no homozygotes.

Submission:

Labcorp Genetics (formerly Invitae), Labcorp
Classification: Pathogenic for Glutaric aciduria, type 1. Last evaluated: 2024-05-23. Review status: criteria provided, single submitter. Criteria: Invitae Variant Classification Sherloc (09022015). Collection method: clinical testing. Allele origin: germline.
Comment: This sequence change replaces tyrosine, which is neutral and polar, with histidine, which is basic and polar, at codon 123 of the GCDH protein (p.Tyr123His). This variant is present in population databases (rs754741320, gnomAD 0.006%). This missense change has been observed in individual(s) with glutaric aciduria (PMID: 32778825; external communication). Advanced modeling of protein sequence and biophysical properties (such as structural, functional, and spatial information, amino acid conservation, physicochemical variation, residue mobility, and thermodynamic stability) performed at Invitae indicates that this missense variant is expected to disrupt GCDH protein function with a positive predictive value of 80%. This variant disrupts the p.Tyr123 amino acid residue in GCDH. Other variant(s) that disrupt this residue have been determined to be pathogenic (PMID: 31319225; Invitae). This suggests that this residue is clinically significant, and that variants that disrupt this residue are likely to be disease-causing. For these reasons, this variant has been classified as Pathogenic.

Literature cited by the submitters: PubMed 32778825; PubMed 31319225.

NM_000159.4(GCDH):c.367T>C (p.Tyr123His)

Gene: GCDH (glutaryl-CoA dehydrogenase; plus strand). Cytogenetic location: 19p13.13.
Variant type: single nucleotide variant.
Coding change: c.367T>C on transcript NM_000159.4 (MANE Select); coding-DNA position 367, T replaced by C.
Protein change: p.Tyr123His; replaces tyrosine 123 with histidine.
Molecular consequence: missense variant. On other transcripts: non-coding transcript variant (2).
Genome position (GRCh38, 1-based): chr19:12,893,515, T>C. VCF-style: chr19-12893515-T-C. GRCh37 (hg19) VCF-style: chr19-13004329-T-C.
Other names: c.367T>C, p.Tyr123His (NM_013976.5); short protein forms Y123H.
Identifiers: ClinVar variation 3015902 (VCV003015902.3), dbSNP rs754741320, ClinGen allele CA9234378.
Genomic context (GRCh38, chr19:12,893,515, plus strand): 5'-TCCTGCTTTCCCCTCCTACTACCACCAGGATATGGCTGTGCTGGGGTTTCGTCTGTGGCC[T>C]ATGGGCTCCTGGCCCGAGAGCTGGAGCGGGTGGACAGTGGCTACAGGTCGGCGATGAGTG-3'
Protein context (NP_000150.1, residues 113-133): YGCAGVSSVA[Tyr123His]GLLARELERV